The following is an entry in ClinVar:

ClinVar aggregate classification (germline): Conflicting classifications of pathogenicity. Review status: criteria provided, conflicting classifications (1 of 4 stars). 3 submissions from 3 submitters: Uncertain significance (1); Likely benign (1). 1 of the submissions does not count toward it. Last evaluated 2023-03-23.

Conditions:
Hereditary cancer-predisposing syndrome. Also called: Tumor predisposition; Neoplastic Syndromes, Hereditary; Hereditary neoplastic syndrome; Hereditary Cancer Syndrome. Identifiers: Orphanet 140162, MedGen C0027672, MeSH D009386, MONDO:0015356.
Breast-ovarian cancer, familial, susceptibility to, 2 (BROVCA2). Also called: BRCA2 Hereditary Breast and Ovarian Cancer. Identifiers: Orphanet 145, MedGen C2675520, MONDO:0012933, OMIM 612555. Disease mechanism: loss of function.

Submissions (3):

University of Washington Department of Laboratory Medicine, University of Washington
Classification: Likely benign for Hereditary cancer-predisposing syndrome. Last evaluated: 2023-03-23. Review status: criteria provided, single submitter. Criteria: Dines et al. (Genet Med. 2020). Collection method: curation. Allele origin: germline.
Comment: Missense variant in a coldspot region where missense variants are very unlikely to be pathogenic (PMID:31911673).

BRCA2 exon 11 coldspot. Reclassification based on statistical prior probability.

Molecular Genetics Laboratory, University of Michigan
Classification: Uncertain significance for Breast-ovarian cancer, familial, susceptibility to, 2. Last evaluated: 2016-04-21. Review status: criteria provided, single submitter. Criteria: ACMG Guidelines, 2015. Collection method: clinical testing. Allele origin: germline. Affected: yes.

Counsyl
Classification: Uncertain significance for Breast-ovarian cancer, familial, susceptibility to, 2. Last evaluated: 2018-03-13. Review status: no assertion criteria provided. Collection method: clinical testing. Allele origin: unknown. Not counted in ClinVar's aggregate classification.

NM_000059.4(BRCA2):c.6601T>C (p.Ser2201Pro)

Gene: BRCA2 (BRCA2 DNA repair associated; plus strand). Cytogenetic location: 13q13.1.
Variant type: single nucleotide variant.
Coding change: c.6601T>C on transcript NM_000059.4 (MANE Select); coding-DNA position 6601, T replaced by C.
Protein change: p.Ser2201Pro; replaces serine 2201 with proline.
Molecular consequence: missense variant.
Genome position (GRCh38, 1-based): chr13:32,340,956, T>C. VCF-style: chr13-32340956-T-C. GRCh37 (hg19) VCF-style: chr13-32915093-T-C.
Other names: short protein forms S2201P.
Identifiers: ClinVar variation 225747 (VCV000225747.5), dbSNP rs869320796, ClinGen allele CA10576070.